The following is an entry in ClinVar:

NM_007194.4(CHEK2):c.347G>C (p.Gly116Ala)

Gene: CHEK2 (checkpoint kinase 2; minus strand). Cytogenetic location: 22q12.1.
Variant type: single nucleotide variant.
Coding change: c.347G>C on transcript NM_007194.4 (MANE Select); coding-DNA position 347, G replaced by C.
Protein change: p.Gly116Ala; replaces glycine 116 with alanine.
Molecular consequence: missense variant.
Genome position (GRCh38, 1-based): chr22:28,725,340, C>G on the plus strand (G>C on the coding strand, the complement: CHEK2 is on the minus strand). VCF-style: chr22-28725340-C-G. GRCh37 (hg19) VCF-style: chr22-29121328-C-G.
Other names: c.476G>C, p.Gly159Ala (NM_001005735.3); c.-431G>C (NM_001257387.3); c.347G>C, p.Gly116Ala (NM_001349956.3, NM_145862.3); short protein forms G116A, G159A.
Identifiers: ClinVar variation 481711 (VCV000481711.7), dbSNP rs745943179, ClinGen allele CA10168016.
Genomic context (GRCh38, chr22:28,725,340, plus strand): 5'-TATTTATCTGTTCTTTTCAGCAGTGGTTCATCAAAGCAATATTCACAGCTTTTGTCCCTC[C>G]CAAACCAGTAGTTGTCATTCACACATTCTGTAATATAAAAGCATGCATCAGAGGGCTGTT-3'
Protein context (NP_009125.1, residues 106-126): LECVNDNYWF[Gly116Ala]RDKSCEYCFD

ClinVar aggregate classification (germline): Uncertain significance. Review status: criteria provided, multiple submitters, no conflicts (2 of 4 stars). 2 submissions from 2 submitters: Uncertain significance (2). Last evaluated 2018-08-31.

Conditions:
Hereditary cancer-predisposing syndrome. Also called: Neoplastic Syndromes, Hereditary; Tumor predisposition; Hereditary Cancer Syndrome; Hereditary neoplastic syndrome. Identifiers: Orphanet 140162, MedGen C0027672, MeSH D009386, MONDO:0015356.

Allele frequency attached by ClinVar (database versions not stated): gnomAD exomes below 0.00001; ExAC 0.00001.
gnomAD v4.1: 1 of 1,614,078 alleles (0.000062%); no homozygotes.

Submissions (2):

Color Diagnostics, LLC DBA Color Health
Classification: Uncertain significance for Hereditary cancer-predisposing syndrome. Last evaluated: 2018-08-31. Review status: criteria provided, single submitter. Criteria: ACMG Guidelines, 2015. Collection method: clinical testing. Allele origin: germline.

Ambry Genetics
Classification: Uncertain significance for Hereditary cancer-predisposing syndrome. Last evaluated: 2016-03-20. Review status: criteria provided, single submitter. Criteria: Ambry Variant Classification Scheme 2023. Collection method: clinical testing. Allele origin: germline.
Comment: The p.G116A variant (also known as c.347G>C), located in coding exon 2 of the CHEK2 gene, results from a G to C substitution at nucleotide position 347. The glycine at codon 116 is replaced by alanine, an amino acid with similar properties. This alteration has been reported in conjunction with CHEK2 p.R117A in a primary prostate cancer tissue and, together, these two alterations completely abolished CHEK2 kinase activity (Wu X et al, Hum. Mutat. 2006 Aug; 27(8):742-7). This variant was not reported in population based cohorts in the following databases: Database of Single Nucleotide Polymorphisms (dbSNP), NHLBI Exome Sequencing Project (ESP), and 1000 Genomes Project. In the ESP, this variant was not observed in 6503 samples (13006 alleles) with coverage at this position. To date, this alteration has been detected with an allele frequency of approximately 0.001% (greater than 130000 alleles tested) in our clinical cohort. This amino acid position is highly conserved in available vertebrate species. In addition, this alteration is predicted to be deleterious by in silico analysis. Since supporting evidence is limited at this time, the clinical significance of this alteration remains unclear.

Literature cited by the submitters: PubMed 16835864 (cited by Ambry Genetics).